The following is an entry in ClinVar:

ClinVar aggregate classification (germline): Benign. Review status: criteria provided, multiple submitters, no conflicts (2 of 4 stars). 6 submissions from 6 submitters: Benign (5). 1 of the submissions does not count toward it. Last evaluated 2026-02-04.

Conditions:
Fanconi anemia complementation group E (FANCE). Also called: FANCE-Related Fanconi Anemia. Identifiers: Orphanet 84, MedGen C3160739, MONDO:0010953, OMIM 600901.

Allele frequency attached by ClinVar (database versions not stated): gnomAD 0.00060 and 0.00087; TOPMed 0.00089; gnomAD exomes 0.00092 and 0.00193; ExAC 0.00181; 1000 Genomes Project 30x 0.00390; 1000 Genomes Project 0.00419.

Submissions (18):

Labcorp Genetics (formerly Invitae), Labcorp
Classification: Benign for Fanconi anemia complementation group E. Last evaluated: 2026-02-04. Review status: criteria provided, single submitter. Criteria: Invitae Variant Classification Sherloc (09022015). Collection method: clinical testing. Allele origin: germline.

KCCC/NGS Laboratory, Kuwait Cancer Control Center
Classification: Benign for Fanconi anemia complementation group E. Last evaluated: 2023-07-07. Review status: criteria provided, single submitter. Criteria: ACMG Guidelines, 2015. Collection method: clinical testing. Allele origin: germline. Affected: yes.

Department of Pathology and Laboratory Medicine, Sinai Health System
Classification: Benign for Fanconi anemia complementation group E. Last evaluated: 2021-07-30. Review status: criteria provided, single submitter. Criteria: ACMG Guidelines, 2015. Collection method: research. Allele origin: germline.

Genetic Services Laboratory, University of Chicago
Classification: Benign. Last evaluated: 2018-07-05. Review status: criteria provided, single submitter. Criteria: ACMG Guidelines, 2015. Collection method: clinical testing. Allele origin: germline. Affected: no.

Illumina Laboratory Services, Illumina
Classification: Benign for Fanconi anemia complementation group E. Last evaluated: 2017-05-06. Review status: criteria provided, single submitter. Criteria: ICSL Variant Classification Criteria 13 December 2019. Collection method: clinical testing. Allele origin: germline.
Comment: This variant was observed as part of a predisposition screen in an ostensibly healthy population. A literature search was performed for the gene, cDNA change, and amino acid change (where applicable). Publications were found based on this search. The evidence from the literature, in combination with allele frequency data from public databases where available, was sufficient to rule this variant out of causing disease. Therefore, this variant is classified as benign.

ITMI
No classification provided. Condition: AllHighlyPenetrant. Last evaluated: 2013-09-19. Review status: no classification provided. Collection method: reference population. Allele origin: germline. Not counted in ClinVar's aggregate classification.
Comment: Please see associated publication for description of ethnicities

Dr. Peter K. Rogan Lab, Western University
No classification provided (evidence only). Condition: Lung cancer. Review status: no classification provided. Collection method: in vitro. Allele origin: not applicable. Functional consequence: retained intron. Not counted in ClinVar's aggregate classification.

Dr. Peter K. Rogan Lab, Western University
No classification provided (evidence only). Condition: Cervical cancer. Review status: no classification provided. Collection method: in vitro. Allele origin: not applicable. Functional consequence: retained intron. Not counted in ClinVar's aggregate classification.

Dr. Peter K. Rogan Lab, Western University
No classification provided (evidence only). Condition: Hepatocellular carcinoma. Review status: no classification provided. Collection method: in vitro. Allele origin: not applicable. Functional consequence: retained intron. Not counted in ClinVar's aggregate classification.

Dr. Peter K. Rogan Lab, Western University
No classification provided (evidence only). Condition: Hepatocellular carcinoma. Review status: no classification provided. Collection method: in vitro. Allele origin: not applicable. Functional consequence: retained intron. Not counted in ClinVar's aggregate classification.

Dr. Peter K. Rogan Lab, Western University
No classification provided (evidence only). Condition: Thymoma. Review status: no classification provided. Collection method: in vitro. Allele origin: not applicable. Functional consequence: retained intron. Not counted in ClinVar's aggregate classification.

Dr. Peter K. Rogan Lab, Western University
No classification provided (evidence only). Condition: Gastric cancer. Review status: no classification provided. Collection method: in vitro. Allele origin: not applicable. Functional consequence: retained intron. Not counted in ClinVar's aggregate classification.

Dr. Peter K. Rogan Lab, Western University
No classification provided (evidence only). Condition: Gastric cancer. Review status: no classification provided. Collection method: in vitro. Allele origin: not applicable. Functional consequence: retained intron. Not counted in ClinVar's aggregate classification.

Dr. Peter K. Rogan Lab, Western University
No classification provided (evidence only). Condition: Gastric cancer. Review status: no classification provided. Collection method: in vitro. Allele origin: not applicable. Functional consequence: retained intron. Not counted in ClinVar's aggregate classification.

Dr. Peter K. Rogan Lab, Western University
No classification provided (evidence only). Condition: Hepatocellular carcinoma. Review status: no classification provided. Collection method: in vitro. Allele origin: not applicable. Functional consequence: retained intron. Not counted in ClinVar's aggregate classification.

Dr. Peter K. Rogan Lab, Western University
No classification provided (evidence only). Condition: Hepatocellular carcinoma. Review status: no classification provided. Collection method: in vitro. Allele origin: not applicable. Functional consequence: retained intron. Not counted in ClinVar's aggregate classification.

Dr. Peter K. Rogan Lab, Western University
No classification provided (evidence only). Condition: Hepatocellular carcinoma. Review status: no classification provided. Collection method: in vitro. Allele origin: not applicable. Functional consequence: retained intron. Not counted in ClinVar's aggregate classification.

Dr. Peter K. Rogan Lab, Western University
No classification provided (evidence only). Condition: Hepatocellular carcinoma. Review status: no classification provided. Collection method: in vitro. Allele origin: not applicable. Functional consequence: retained intron. Not counted in ClinVar's aggregate classification.

Literature cited by the submitters: PubMed 15609317 (cited by Illumina Laboratory Services, Illumina); PubMed 18271933 (cited by Illumina Laboratory Services, Illumina); PubMed 24728327 (cited by Illumina Laboratory Services, Illumina and ITMI).

NM_021922.3(FANCE):c.1028G>A (p.Arg343Gln)

Gene: FANCE (FA complementation group E; plus strand). Cytogenetic location: 6p21.31.
Variant type: single nucleotide variant.
Coding change: c.1028G>A on transcript NM_021922.3 (MANE Select); coding-DNA position 1028, G replaced by A.
Protein change: p.Arg343Gln; replaces arginine 343 with glutamine.
Molecular consequence: missense variant.
Genome position (GRCh38, 1-based): chr6:35,458,355, G>A. VCF-style: chr6-35458355-G-A. GRCh37 (hg19) VCF-style: chr6-35426132-G-A.
Other names: short protein forms R343Q.
Identifiers: ClinVar variation 134341 (VCV000134341.21), dbSNP rs45467798, ClinGen allele CA159548.